The following is an entry in ClinVar:

ClinVar aggregate classification (germline): Uncertain significance. Review status: criteria provided, multiple submitters, no conflicts (2 of 4 stars). 2 submissions from 2 submitters: Uncertain significance (2). Last evaluated 2022-10-04.

Conditions:
COQ2-related disorder. Also called: COQ2-related condition.

Allele frequency attached by ClinVar (database versions not stated): gnomAD exomes below 0.00001; gnomAD 0.00001; ExAC 0.00002; TOPMed 0.00002.
gnomAD v4.1: 4 of 1,377,442 alleles (0.00029%); highest among the groups gnomAD compares: African/African-American, 0.003%; no homozygotes.

Submissions (2):

PreventionGenetics, part of Exact Sciences
Classification: Uncertain significance for COQ2-related condition. Last evaluated: 2022-10-04. Review status: criteria provided, single submitter. Criteria: ACMG Guidelines, 2015. Collection method: clinical testing. Allele origin: germline.
Comment: The COQ2 c.1259A>G variant is predicted to result in the amino acid substitution p.Glu420Gly. To our knowledge, this variant has not been reported in the literature. This variant is reported in 0.0093% of alleles in individuals of African descent in gnomAD. At this time, the clinical significance of this variant is uncertain due to the absence of conclusive functional and genetic evidence.

Labcorp Genetics (formerly Invitae), Labcorp
Classification: Uncertain significance. Last evaluated: 2022-08-21. Review status: criteria provided, single submitter. Criteria: Invitae Variant Classification Sherloc (09022015). Collection method: clinical testing. Allele origin: germline.
Comment: This sequence change replaces glutamic acid, which is acidic and polar, with glycine, which is neutral and non-polar, at codon 420 of the COQ2 protein (p.Glu420Gly). The frequency data for this variant in the population databases is considered unreliable, as metrics indicate poor data quality at this position in the gnomAD database. This variant has not been reported in the literature in individuals affected with COQ2-related conditions. Algorithms developed to predict the effect of missense changes on protein structure and function output the following: SIFT: "Tolerated"; PolyPhen-2: "Benign"; Align-GVGD: "Class C0". The glycine amino acid residue is found in multiple mammalian species, which suggests that this missense change does not adversely affect protein function. In summary, the available evidence is currently insufficient to determine the role of this variant in disease. Therefore, it has been classified as a Variant of Uncertain Significance.

NM_001358921.2(COQ2):c.1109A>G (p.Glu370Gly)

Gene: COQ2 (coenzyme Q2, polyprenyltransferase; minus strand). Cytogenetic location: 4q21.23.
Variant type: single nucleotide variant.
Coding change: c.1109A>G on transcript NM_001358921.2 (MANE Select); coding-DNA position 1109, A replaced by G.
Protein change: p.Glu370Gly; replaces glutamic acid 370 with glycine.
Molecular consequence: missense variant.
Genome position (GRCh38, 1-based): chr4:83,264,206, T>C on the plus strand (A>G on the coding strand, the complement: COQ2 is on the minus strand). VCF-style: chr4-83264206-T-C. GRCh37 (hg19) VCF-style: chr4-84185359-T-C.
Other names: c.1259A>G, p.Glu420Gly (NM_015697.9); c.1259A>G (NM_015697.7); short protein forms E370G, E420G.
Identifiers: ClinVar variation 1717307 (VCV001717307.3), dbSNP rs769268024, ClinGen allele CA2988440.